The following is an entry in ClinVar:

NM_006517.5(SLC16A2):c.976T>C (p.Phe326Leu)

Gene: SLC16A2 (solute carrier family 16 member 2; plus strand). Cytogenetic location: Xq13.2.
Variant type: single nucleotide variant.
Coding change: c.976T>C on transcript NM_006517.5 (MANE Select); coding-DNA position 976, T replaced by C.
Protein change: p.Phe326Leu; replaces phenylalanine 326 with leucine.
Molecular consequence: missense variant.
Genome position (GRCh38, 1-based): chrX:74,524,759, T>C. VCF-style: chrX-74524759-T-C. GRCh37 (hg19) VCF-style: chrX-73744594-T-C.
Other names: short protein forms F326L.
Identifiers: ClinVar variation 1704366 (VCV001704366.1), dbSNP rs1930464010, ClinGen allele CA413657696.
Genomic context (GRCh38, chrX:74,524,759, plus strand): 5'-CAGCTCAGGAAGTACTTCAACATGCGAGTGTTCCGCCAACGCACTTACCGCATCTGGGCC[T>C]TCGGAATTGCTGCTGCTGCCCTTGGCTACTTTGTTCCCTATGTACACCTGGTGAGGAATA-3'
Protein context (NP_006508.2, residues 316-336): FRQRTYRIWA[Phe326Leu]GIAAAALGYF

ClinVar aggregate classification (germline): Uncertain significance (1 of 4 stars; one submission).

Conditions:
Allan-Herndon-Dudley syndrome (AHDS). Also called: ALLAN-HERNDON SYNDROME; Passos-Bueno syndrome; T3 RESISTANCE; TRIIODOTHYRONINE RESISTANCE; MENTAL RETARDATION AND MUSCULAR ATROPHY. Identifiers: Orphanet 59, MedGen C0795889, MONDO:0010354, OMIM 300523.

Allele frequency attached by ClinVar (database versions not stated): TOPMed below 0.00001.

Submission:

Johns Hopkins Genomics, Johns Hopkins University
Classification: Uncertain significance for Allan-Herndon-Dudley syndrome. Last evaluated: 2022-05-16. Review status: criteria provided, single submitter. Criteria: ACMG Guidelines, 2015. Collection method: clinical testing. Allele origin: germline.
Comment: This SLC16A2 variant is absent from a large population dataset and has not been reported in ClinVar nor the literature, to our knowledge. Three bioinformatic tools queried predict that this substitution would be tolerated, although the phenylalanine residue at this position is strongly conserved across the vertebrate species assessed. Bioinformatic analysis predicts that this variant would not affect normal exon 3 splicing, although this has not been confirmed experimentally to our knowledge. Due to insufficient evidence, we consider the clinical significance of c.976T>C to be uncertain at this time.

Literature cited by the submitters: PubMed 15488219; PubMed 16417886; PubMed 17356046.